The following is an entry in ClinVar:

NM_000043.6(FAS):c.785T>C (p.Ile262Thr)

Gene: FAS (Fas cell surface death receptor; plus strand). Cytogenetic location: 10q23.31.
Variant type: single nucleotide variant.
Coding change: c.785T>C on transcript NM_000043.6 (MANE Select); coding-DNA position 785, T replaced by C.
Protein change: p.Ile262Thr; replaces isoleucine 262 with threonine.
Molecular consequence: missense variant. On other transcripts: 3 prime UTR variant (2), non-coding transcript variant (7).
Genome position (GRCh38, 1-based): chr10:89,014,227, T>C. VCF-style: chr10-89014227-T-C. GRCh37 (hg19) VCF-style: chr10-90773984-T-C.
Other names: c.*108T>C (NM_001320619.2); c.722T>C, p.Ile241Thr (NM_152871.4); c.*97T>C (NM_152872.4); short protein forms I262T, I241T.
Identifiers: ClinVar variation 100802 (VCV000100802.3), dbSNP rs483352683, ClinGen allele CA228981.

ClinVar aggregate classification (germline): Likely pathogenic. Review status: criteria provided, single submitter (1 of 4 stars). 3 submissions from 2 submitters: Likely pathogenic (1). 2 of the submissions do not count toward it. Last evaluated 2025-12-17.

Conditions:
Autoimmune lymphoproliferative syndrome with defective apoptosis.

Allele frequency attached by ClinVar (database versions not stated): gnomAD exomes below 0.00001.

Submissions (3):

Genetics Laboratory, Great Ormond Street Hospital NHS Foundation Trust, North Thames Genomic Laboratory Hub
Classification: Likely pathogenic for Autoimmune lymphoproliferative syndrome with defective apoptosis. Last evaluated: 2025-12-17. Review status: criteria provided, single submitter. Criteria: ACGS Best Practice Guidelines for Variant Classification in Rare Disease 2024 v1.2. Collection method: clinical testing. Allele origin: germline. Affected: yes.
Comment: PS4_moderate, PM2_moderate, PP3_supporting, PP4_supporting

Richard Lifton Laboratory, Yale University School of Medicine
Classification: Uncertain significance. Review status: no assertion criteria provided. Collection method: not provided. Allele origin: somatic. Not counted in ClinVar's aggregate classification.
Comment: FAS:p.I262T
ClinVar note: Converted during submission from unknown to Uncertain significance.

Richard Lifton Laboratory, Yale University School of Medicine
Classification: Uncertain significance. Review status: flagged submission. Collection method: not provided. Allele origin: somatic. Not counted in ClinVar's aggregate classification.
ClinVar note: Converted during submission from unknown to Uncertain significance.
ClinVar note: Reason: This record appears to be redundant with a more recent record from the same submitter.
ClinVar note: Notes: SCV000120022 appears to be redundant with SCV000155125.